The following is an entry in ClinVar:

ClinVar aggregate classification (germline): Uncertain significance. Review status: criteria provided, multiple submitters, no conflicts (2 of 4 stars). 2 submissions from 2 submitters: Uncertain significance (2). Last evaluated 2026-07-01.

Conditions:
Heterotopia, periventricular, X-linked dominant (PVNH1). Also called: PERIVENTRICULAR NODULAR HETEROTOPIA 1; X-linked periventricular heterotopia; PERIVENTRICULAR NODULAR HETEROTOPIA 4; HETEROTOPIA, PERIVENTRICULAR, 1. Identifiers: Orphanet 2149, Orphanet 82004, MedGen C1848213, MONDO:0010233, OMIM 300049.
Oto-palato-digital syndrome, type II (OPD2). Also called: Otopalatodigital Syndrome Type 2 (FLNA-OPD2); Otopalatodigital Syndrome, Type II; OPD II SYNDROME; FACIOPALATOOSSEOUS SYNDROME. Identifiers: Orphanet 669, Orphanet 90652, MedGen C1844696, MONDO:0010571, OMIM 304120.
Frontometaphyseal dysplasia (FMD1). Identifiers: Orphanet 1826, MedGen C0265293, MONDO:0015942.
Melnick-Needles syndrome (MNS). Also called: Melnick-Needles Syndrome (FLNA-MNS); MELNICK-NEEDLES OSTEODYSPLASTY; OSTEODYSPLASTY OF MELNICK AND NEEDLES. Identifiers: Orphanet 2484, MedGen C0025237, MONDO:0010650, OMIM 309350.
Familial thoracic aortic aneurysm and aortic dissection (TAAD). Also called: Thoracic aortic aneurysms and dissections. Identifiers: Orphanet 91387, MedGen C4707243, MONDO:0019625.

Submissions (2):

Ambry Genetics
Classification: Uncertain significance for Familial thoracic aortic aneurysm and aortic dissection. Last evaluated: 2026-07-01. Review status: criteria provided, single submitter. Criteria: Ambry Variant Classification Scheme 2023. Collection method: clinical testing. Allele origin: germline.
Comment: The p.R1985P variant (also known as c.5954G>C), located in coding exon 35 of the FLNA gene, results from a G to C substitution at nucleotide position 5954. The arginine at codon 1985 is replaced by proline, an amino acid with dissimilar properties. This amino acid position is conserved. In addition, the in silico prediction for this alteration is inconclusive. Based on the available evidence, the clinical significance of this variant remains unclear.

Labcorp Genetics (formerly Invitae), Labcorp
Classification: Uncertain significance for Oto-palato-digital syndrome, type II; Heterotopia, periventricular, X-linked dominant; Frontometaphyseal dysplasia; Melnick-Needles syndrome. Last evaluated: 2018-06-11. Review status: criteria provided, single submitter. Criteria: Invitae Variant Classification Sherloc (09022015). Collection method: clinical testing. Allele origin: germline.
Comment: In summary, the available evidence is currently insufficient to determine the role of this variant in disease. Therefore, it has been classified as a Variant of Uncertain Significance. Algorithms developed to predict the effect of missense changes on protein structure and function (SIFT, PolyPhen-2, Align-GVGD) all suggest that this variant is likely to be disruptive, but these predictions have not been confirmed by published functional studies and their clinical significance is uncertain. This variant has not been reported in the literature in individuals with FLNA-related disease. This variant is not present in population databases (ExAC no frequency). This sequence change replaces arginine with proline at codon 1985 of the FLNA protein (p.Arg1985Pro). The arginine residue is highly conserved and there is a moderate physicochemical difference between arginine and proline.

NM_001110556.2(FLNA):c.5978G>C (p.Arg1993Pro)

Gene: FLNA (filamin A; minus strand). Cytogenetic location: Xq28.
Variant type: single nucleotide variant.
Coding change: c.5978G>C on transcript NM_001110556.2 (MANE Select); coding-DNA position 5978, G replaced by C.
Protein change: p.Arg1993Pro; replaces arginine 1993 with proline.
Molecular consequence: missense variant.
Genome position (GRCh38, 1-based): chrX:154,353,340, C>G on the plus strand (G>C on the coding strand, the complement: FLNA is on the minus strand). VCF-style: chrX-154353340-C-G. GRCh37 (hg19) VCF-style: chrX-153581708-C-G.
Other names: c.5954G>C, p.Arg1985Pro (NM_001456.4); short protein forms R1993P, R1985P.
Identifiers: ClinVar variation 568704 (VCV000568704.11), dbSNP rs782401919, ClinGen allele CA415197323.
Genomic context (GRCh38, chrX:154,353,340, plus strand): 5'-CCCTTCAGCCGCTTACCCACGTGGCCATTACGCAGCCGCTTCAGCAAACAGGGCTCCTCC[C>G]GGCCCGAGGGCGGGACCACAGTGGCCGTCAGCAGGCTGAGATCCGTCTCTGAGATGTTGA-3'
Protein context (NP_001104026.1, residues 1983-2003): LTATVVPPSG[Arg1993Pro]EEPCLLKRLR